The following is an entry in ClinVar:

ClinVar aggregate classification (germline): Uncertain significance (1 of 4 stars; one submission).

Conditions:
Hereditary cancer-predisposing syndrome. Also called: Neoplastic Syndromes, Hereditary; Tumor predisposition; Hereditary Cancer Syndrome; Hereditary neoplastic syndrome. Identifiers: Orphanet 140162, MedGen C0027672, MeSH D009386, MONDO:0015356.

Submission:

Ambry Genetics
Classification: Uncertain significance for Hereditary cancer-predisposing syndrome. Last evaluated: 2025-10-28. Review status: criteria provided, single submitter. Criteria: Ambry Variant Classification Scheme 2023. Collection method: clinical testing. Allele origin: germline.
Comment: The p.R1440T variant (also known as c.4319G>C), located in coding exon 23 of the PTCH1 gene, results from a G to C substitution at nucleotide position 4319. The arginine at codon 1440 is replaced by threonine, an amino acid with similar properties. This amino acid position is conserved. In addition, the in silico prediction for this alteration is inconclusive. Based on the available evidence, the clinical significance of this variant remains unclear.

NM_000264.5(PTCH1):c.4319G>C (p.Arg1440Thr)

Gene: PTCH1 (patched 1; minus strand). Cytogenetic location: 9q22.32.
Variant type: single nucleotide variant.
Coding change: c.4319G>C on transcript NM_000264.5 (MANE Select); coding-DNA position 4319, G replaced by C.
Protein change: p.Arg1440Thr; replaces arginine 1440 with threonine.
Molecular consequence: missense variant. On other transcripts: non-coding transcript variant (1).
Genome position (GRCh38, 1-based): chr9:95,446,937, C>G on the plus strand (G>C on the coding strand, the complement: PTCH1 is on the minus strand). VCF-style: chr9-95446937-C-G. GRCh37 (hg19) VCF-style: chr9-98209219-C-G.
Other names: c.4121G>C, p.Arg1374Thr (NM_001083602.3); c.4316G>C, p.Arg1439Thr (NM_001083603.3); c.3866G>C, p.Arg1289Thr (NM_001083604.3, NM_001083605.3, NM_001083606.3 and 1 more transcripts); c.4163G>C, p.Arg1388Thr (NM_001354918.2); short protein forms R1289T, R1439T, R1440T, R1374T, R1388T.
Identifiers: ClinVar variation 4674927 (VCV004674927.1).